The following is an entry in ClinVar:

NM_001291303.3(FAT4):c.914T>C (p.Ile305Thr)

Gene: FAT4 (FAT atypical cadherin 4; plus strand). Cytogenetic location: 4q28.1.
Variant type: single nucleotide variant.
Coding change: c.914T>C on transcript NM_001291303.3 (MANE Select); coding-DNA position 914, T replaced by C.
Protein change: p.Ile305Thr; replaces isoleucine 305 with threonine.
Molecular consequence: missense variant.
Genome position (GRCh38, 1-based): chr4:125,317,325, T>C. VCF-style: chr4-125317325-T-C. GRCh37 (hg19) VCF-style: chr4-126238480-T-C.
Other names: c.914T>C, p.Ile305Thr (NM_001291285.3, NM_024582.6); short protein forms I305T.
Identifiers: ClinVar variation 2077426 (VCV002077426.4), dbSNP rs1730655939, ClinGen allele CA358116804.

ClinVar aggregate classification (germline): Uncertain significance (1 of 4 stars; one submission).

Allele frequency attached by ClinVar (database versions not stated): TOPMed below 0.00001.
gnomAD v4.1: 2 of 1,609,498 alleles (0.00012%); highest among the groups gnomAD compares: Non-Finnish European, 0.00017%; no homozygotes.

Submission:

Labcorp Genetics (formerly Invitae), Labcorp
Classification: Uncertain significance. Last evaluated: 2022-08-19. Review status: criteria provided, single submitter. Criteria: Invitae Variant Classification Sherloc (09022015). Collection method: clinical testing. Allele origin: germline.
Comment: In summary, the available evidence is currently insufficient to determine the role of this variant in disease. Therefore, it has been classified as a Variant of Uncertain Significance. Advanced modeling of protein sequence and biophysical properties (such as structural, functional, and spatial information, amino acid conservation, physicochemical variation, residue mobility, and thermodynamic stability) performed at Invitae indicates that this missense variant is not expected to disrupt FAT4 protein function. This variant has not been reported in the literature in individuals affected with FAT4-related conditions. This variant is not present in population databases (gnomAD no frequency). This sequence change replaces isoleucine, which is neutral and non-polar, with threonine, which is neutral and polar, at codon 305 of the FAT4 protein (p.Ile305Thr).